The following is an entry in ClinVar:

NM_001378615.1(CC2D2A):c.2251A>C (p.Thr751Pro)

Genes: CC2D2A (coiled-coil and C2 domain containing 2A; plus strand), FBXL5 (F-box and leucine rich repeat protein 5; minus strand). Cytogenetic location: 4p15.32.
Variant type: single nucleotide variant.
Coding change: c.2251A>C on transcript NM_001378615.1 (MANE Select); coding-DNA position 2251, A replaced by C.
Protein change: p.Thr751Pro; replaces threonine 751 with proline.
Molecular consequence: missense variant.
Genome position (GRCh38, 1-based): chr4:15,550,893, A>C. VCF-style: chr4-15550893-A-C. GRCh37 (hg19) VCF-style: chr4-15552516-A-C.
Other names: c.2251A>C, p.Thr751Pro (NM_001080522.2); c.2104A>C, p.Thr702Pro (NM_001378617.1); short protein forms T702P, T751P.
Identifiers: ClinVar variation 2932666 (VCV002932666.3), dbSNP rs942868342, ClinGen allele CA356417134.

ClinVar aggregate classification (germline): Uncertain significance (1 of 4 stars; one submission).

Conditions:
Joubert syndrome. Also called: JOUBERT-BOLTSHAUSER SYNDROME; Familial aplasia of the vermis. Identifiers: Orphanet 475, MedGen C5979921, MONDO:0018772.
Meckel-Gruber syndrome. Also called: DYSENCEPHALIA SPLANCHNOCYSTICA; GRUBER SYNDROME; Dysencephalia splachnocystica. Identifiers: Orphanet 564, MedGen C0265215, MONDO:0018921.

Submission:

Labcorp Genetics (formerly Invitae), Labcorp
Classification: Uncertain significance for Joubert syndrome; Meckel-Gruber syndrome. Last evaluated: 2024-10-17. Review status: criteria provided, single submitter. Criteria: Invitae Variant Classification Sherloc (09022015). Collection method: clinical testing. Allele origin: germline.
Comment: This sequence change replaces threonine, which is neutral and polar, with proline, which is neutral and non-polar, at codon 751 of the CC2D2A protein (p.Thr751Pro). This variant is not present in population databases (gnomAD no frequency). This variant has not been reported in the literature in individuals affected with CC2D2A-related conditions. Invitae Evidence Modeling of protein sequence and biophysical properties (such as structural, functional, and spatial information, amino acid conservation, physicochemical variation, residue mobility, and thermodynamic stability) has been performed for this missense variant. However, the output from this modeling did not meet the statistical confidence thresholds required to predict the impact of this variant on CC2D2A protein function. In summary, the available evidence is currently insufficient to determine the role of this variant in disease. Therefore, it has been classified as a Variant of Uncertain Significance.